The following is an entry in ClinVar:

ClinVar aggregate classification (germline): Uncertain significance. Review status: criteria provided, multiple submitters, no conflicts (2 of 4 stars). 2 submissions from 2 submitters: Uncertain significance (2). Last evaluated 2026-01-09.

Conditions:
Cardiovascular phenotype. Identifiers: MedGen CN230736.
Dilated cardiomyopathy 1W (CMD1W). Identifiers: Orphanet 154, MedGen C1969639, MONDO:0012667, OMIM 611407.

Allele frequency attached by ClinVar (database versions not stated): gnomAD exomes below 0.00001; gnomAD 0.00001; TOPMed 0.00001.
gnomAD v4.1: 3 of 1,613,544 alleles (0.00019%); highest among the groups gnomAD compares: African/African-American, 0.004%; no homozygotes.

Submissions (2):

Ambry Genetics
Classification: Uncertain significance for Cardiovascular phenotype. Last evaluated: 2026-01-09. Review status: criteria provided, single submitter. Criteria: Ambry Variant Classification Scheme 2023. Collection method: clinical testing. Allele origin: germline.
Comment: The p.A613V variant (also known as c.1838C>T), located in coding exon 13 of the VCL gene, results from a C to T substitution at nucleotide position 1838. The alanine at codon 613 is replaced by valine, an amino acid with similar properties. This amino acid position is highly conserved in available vertebrate species. In addition, this alteration is predicted to be tolerated by in silico analysis. Based on the available evidence, the clinical significance of this variant remains unclear.

Labcorp Genetics (formerly Invitae), Labcorp
Classification: Uncertain significance for Dilated cardiomyopathy 1W. Last evaluated: 2022-03-23. Review status: criteria provided, single submitter. Criteria: Invitae Variant Classification Sherloc (09022015). Collection method: clinical testing. Allele origin: germline.
Comment: In summary, the available evidence is currently insufficient to determine the role of this variant in disease. Therefore, it has been classified as a Variant of Uncertain Significance. Algorithms developed to predict the effect of missense changes on protein structure and function are either unavailable or do not agree on the potential impact of this missense change (SIFT: "Not Available"; PolyPhen-2: "Probably Damaging"; Align-GVGD: "Not Available"). ClinVar contains an entry for this variant (Variation ID: 953659). This variant has not been reported in the literature in individuals affected with VCL-related conditions. This variant is not present in population databases (gnomAD no frequency). This sequence change replaces alanine, which is neutral and non-polar, with valine, which is neutral and non-polar, at codon 613 of the VCL protein (p.Ala613Val).

NM_014000.3(VCL):c.1838C>T (p.Ala613Val)

Gene: VCL (vinculin; plus strand). Cytogenetic location: 10q22.2.
Variant type: single nucleotide variant.
Coding change: c.1838C>T on transcript NM_014000.3 (MANE Select); coding-DNA position 1838, C replaced by T.
Protein change: p.Ala613Val; replaces alanine 613 with valine.
Molecular consequence: missense variant.
Genome position (GRCh38, 1-based): chr10:74,097,298, C>T. VCF-style: chr10-74097298-C-T. GRCh37 (hg19) VCF-style: chr10-75857056-C-T.
Other names: c.1838C>T, p.Ala613Val (NM_003373.4); short protein forms A613V.
Identifiers: ClinVar variation 953659 (VCV000953659.10), dbSNP rs781520177, ClinGen allele CA377276801.
Genomic context (GRCh38, chr10:74,097,298, plus strand): 5'-AGGAAGTGTCAGATGTTTTCAGCGATACCACAACTCCCATCAAGCTGTTGGCAGTGGCAG[C>T]CACGGCGCCTCCTGATGCGCCTAACAGGGAAGAGGTGGGTATCTGAGGTCTTCCATTTTT-3'
Protein context (NP_054706.1, residues 603-623): TTPIKLLAVA[Ala613Val]TAPPDAPNRE